The following is an entry in ClinVar:

ClinVar aggregate classification (germline): Uncertain significance (1 of 4 stars; one submission).

Conditions:
Jeune thoracic dystrophy. Also called: Jeune syndrome; Infantile thoracic dystrophy; Thoracic pelvic phalangeal dystrophy; Jeune's syndrome; Chondroectodermal dysplasia-like syndrome; Short-rib thoracic dysplasia. Identifiers: Orphanet 474, MedGen C0265275, MONDO:0018770.

Allele frequency attached by ClinVar (database versions not stated): gnomAD 0.00001 and 0.00002; gnomAD exomes 0.00001; ExAC 0.00002; TOPMed 0.00002.
gnomAD v4.1: 19 of 1,608,706 alleles (0.0012%); highest among the groups gnomAD compares: Non-Finnish European, 0.0015%; no homozygotes.

Submission:

Labcorp Genetics (formerly Invitae), Labcorp
Classification: Uncertain significance for Jeune thoracic dystrophy. Last evaluated: 2022-07-19. Review status: criteria provided, single submitter. Criteria: Invitae Variant Classification Sherloc (09022015). Collection method: clinical testing. Allele origin: germline.
Comment: Algorithms developed to predict the effect of missense changes on protein structure and function are either unavailable or do not agree on the potential impact of this missense change (SIFT: "Deleterious"; PolyPhen-2: "Benign"; Align-GVGD: "Class C0"). In summary, the available evidence is currently insufficient to determine the role of this variant in disease. Therefore, it has been classified as a Variant of Uncertain Significance. ClinVar contains an entry for this variant (Variation ID: 963321). This variant has not been reported in the literature in individuals affected with IFT80-related conditions. This variant is present in population databases (rs780934693, gnomAD 0.007%). This sequence change replaces isoleucine, which is neutral and non-polar, with arginine, which is basic and polar, at codon 439 of the IFT80 protein (p.Ile439Arg).

NM_020800.3(IFT80):c.1316T>G (p.Ile439Arg)

Genes: TRIM59-IFT80 (TRIM59-IFT80 readthrough (NMD candidate); minus strand), IFT80 (intraflagellar transport 80; minus strand). Cytogenetic location: 3q25.33.
Variant type: single nucleotide variant.
Coding change: c.1316T>G on transcript NM_020800.3 (MANE Select); coding-DNA position 1316, T replaced by G.
Protein change: p.Ile439Arg; replaces isoleucine 439 with arginine.
Molecular consequence: missense variant. On other transcripts: non-coding transcript variant (3).
Genome position (GRCh38, 1-based): chr3:160,285,868, A>C on the plus strand (T>G on the coding strand, the complement: IFT80 is on the minus strand). VCF-style: chr3-160285868-A-C. GRCh37 (hg19) VCF-style: chr3-160003656-A-C.
Other names: c.905T>G, p.Ile302Arg (NM_001190242.2, NM_001190241.2); short protein forms I302R, I439R.
Identifiers: ClinVar variation 963321 (VCV000963321.9), dbSNP rs780934693, ClinGen allele CA2685187.